The following is an entry in ClinVar:

NM_000352.6(ABCC8):c.970G>A (p.Val324Met)

Gene: ABCC8 (ATP binding cassette subfamily C member 8; minus strand). Cytogenetic location: 11p15.1.
Variant type: single nucleotide variant.
Coding change: c.970G>A on transcript NM_000352.6 (MANE Select); coding-DNA position 970, G replaced by A.
Protein change: p.Val324Met; replaces valine 324 with methionine.
Molecular consequence: missense variant. On other transcripts: non-coding transcript variant (1).
Genome position (GRCh38, 1-based): chr11:17,460,529, C>T on the plus strand (G>A on the coding strand, the complement: ABCC8 is on the minus strand). VCF-style: chr11-17460529-C-T. GRCh37 (hg19) VCF-style: chr11-17482076-C-T.
Other names: c.970G>A, p.Val324Met (NM_001287174.3, NM_001351295.2); c.967G>A, p.Val323Met (NM_001351296.2, NM_001351297.2); c.970G>A (NM_000352.3); short protein forms V323M, V324M.
Identifiers: ClinVar variation 1338342 (VCV001338342.12), dbSNP rs1328072266, ClinGen allele CA379776234.

ClinVar aggregate classification (germline): Conflicting classifications of pathogenicity. Review status: criteria provided, conflicting classifications (1 of 4 stars). 6 submissions from 6 submitters: Pathogenic (2); Likely pathogenic (2); Uncertain significance (1). 1 of the submissions does not count toward it. Last evaluated 2025-10-03.

Conditions:
Hereditary hyperinsulinism.
Diabetes mellitus, permanent neonatal 3. Also called: ABCC8-Related Permanent Neonatal Diabetes Mellitus. Identifiers: MedGen C5394303, MONDO:0030088, OMIM 618857.
Inborn genetic diseases. Identifiers: MedGen C0950123, MeSH D030342.
Diabetes mellitus, transient neonatal, 2 (TNDM2). Identifiers: Orphanet 99886, MedGen C1835887, MONDO:0012480, OMIM 610374. Disease mechanism: loss of function.

Allele frequency attached by ClinVar (database versions not stated): gnomAD 0.00001.

Submissions (6):

3billion
Classification: Likely pathogenic for Diabetes mellitus, permanent neonatal 3. Last evaluated: 2025-10-03. Review status: criteria provided, single submitter. Criteria: ACMG Guidelines, 2015. Collection method: clinical testing. Allele origin: germline. Affected: yes.
Comment: The variant is observed at an extremely low frequency in the gnomAD v4.1.0 dataset (total allele frequency: <0.001%). Predicted Consequence/Location: Missense variant In silico tool predictions suggest damaging effect of the variant on gene or gene product [REVEL: 0.90 (>=0.6, sensitivity 0.68 and specificity 0.92); 3Cnet: 0.95 (> 0.75, sensitivity 0.96 and precision 0.92)]. The same nucleotide change resulting in the same amino acid change has been previously reported as pathogenic/likely pathogenic with strong evidence (ClinVar ID: VCV001338342 /PMID: 17446535). Therefore, this variant is classified as Likely pathogenic according to the recommendation of ACMG/AMP guideline.

MVZ Medizinische Genetik Mainz
Classification: Likely pathogenic for Diabetes mellitus, transient neonatal, 2. Last evaluated: 2025-03-07. Review status: criteria provided, single submitter. Criteria: UK Practice Guidelines For Variant Classification V4 01 2020. Collection method: clinical testing. Allele origin: germline. Inheritance: Autosomal dominant inheritance. Observed: 1 variant allele.
Comment: ACMG Criteria: PS4_MOD,PP3_MOD,PS3_SUP,PM2_SUP

Ambry Genetics
Classification: Uncertain significance for Inborn genetic diseases. Last evaluated: 2021-11-05. Review status: criteria provided, single submitter. Criteria: Ambry Variant Classification Scheme 2023. Collection method: clinical testing. Allele origin: germline.

Labcorp Genetics (formerly Invitae), Labcorp
Classification: Pathogenic. Last evaluated: 2021-04-16. Review status: criteria provided, single submitter. Criteria: Invitae Variant Classification Sherloc (09022015). Collection method: clinical testing. Allele origin: germline.
Comment: For these reasons, this variant has been classified as Pathogenic. Advanced modeling of protein sequence and biophysical properties (such as structural, functional, and spatial information, amino acid conservation, physicochemical variation, residue mobility, and thermodynamic stability) performed at Invitae indicates that this missense variant is expected to disrupt ABCC8 protein function. This variant has been observed in individual(s) with autosomal dominant ABCC8-related conditions (PMID: 17446535, 17389331, 24622368). This variant has been reported in individual(s) with autosomal recessive ABCC8-related conditions (PMID: 21544516, 26208381); however, the role of the variant in this condition is currently unclear. This variant is not present in population databases (ExAC no frequency). This sequence change replaces valine with methionine at codon 324 of the ABCC8 protein (p.Val324Met). The valine residue is highly conserved and there is a small physicochemical difference between valine and methionine. Experimental studies have shown that this variant affects ABCC8 protein function (PMID: 20810569).

Genetic Services Laboratory, University of Chicago
Classification: Pathogenic. Last evaluated: 2020-10-02. Review status: criteria provided, single submitter. Criteria: ACMG Guidelines, 2015. Collection method: clinical testing. Allele origin: germline. Affected: yes.
Comment: DNA sequence analysis of the ABCC8 gene demonstrated a sequence change, c.970G>A, in exon 6 that results in an amino acid change, p.Val324Met. This sequence change has not been described in large population databases such as EXAC and gnomAD. The p.Val324Met change affects a highly conserved amino acid residue located in a domain of the ABCC8 protein that is known to be functional. The p.Val324Met pathogenic sequence change has previously been described in multiple patients with neonatal diabetes, and has been reported in the heterozygous state in some individuals, while other affected individuals have been observed with the p.Val324Met sequence change in the compound heterozygous state with a second variant in ABCC8 (Flanagan et al., 2007; PMIDs: 21544516, 26208381, 17389331). This variant has also been reported in the heterozygous state in an unaffected parent of an affected child with neonatal diabetes, indicating that the p.Val324Met variant exhibits incomplete penetrance in the heterozygous state (Flanagan et al., 2007).

Natera, Inc.
Classification: Likely pathogenic for Hereditary hyperinsulinism. Last evaluated: 2025-04-11. Review status: no assertion criteria provided. Collection method: clinical testing. Allele origin: germline. Not counted in ClinVar's aggregate classification.

Literature cited by the submitters: PubMed 17446535 (cited by 3 submitters); PubMed 17389331 (cited by Ambry Genetics and Labcorp Genetics (formerly Invitae), Labcorp); PubMed 17919176 (cited by Ambry Genetics); PubMed 20810569 (cited by Ambry Genetics and Labcorp Genetics (formerly Invitae), Labcorp); PubMed 21544516 (cited by Ambry Genetics and Labcorp Genetics (formerly Invitae), Labcorp); PubMed 26208381 (cited by Ambry Genetics and Labcorp Genetics (formerly Invitae), Labcorp); PubMed 24622368 (cited by Labcorp Genetics (formerly Invitae), Labcorp).